The following is an entry in ClinVar:

NM_002661.5(PLCG2):c.348A>T (p.Lys116Asn)

Gene: PLCG2 (phospholipase C gamma 2; plus strand). Cytogenetic location: 16q23.3.
Variant type: single nucleotide variant.
Coding change: c.348A>T on transcript NM_002661.5 (MANE Select); coding-DNA position 348, A replaced by T.
Protein change: p.Lys116Asn; replaces lysine 116 with asparagine.
Molecular consequence: missense variant.
Genome position (GRCh38, 1-based): chr16:81,858,273, A>T. VCF-style: chr16-81858273-A-T. GRCh37 (hg19) VCF-style: chr16-81891878-A-T.
Other names: c.348A>T, p.Lys116Asn (NM_001425749.1, NM_001425750.1, NM_001425751.1); short protein forms K116N.
Identifiers: ClinVar variation 2961344 (VCV002961344.3), dbSNP rs769715170, ClinGen allele CA8193158.
Genomic context (GRCh38, chr16:81,858,273, plus strand): 5'-CGTCTTCCCAGGAATTAACACAGCATTTCTGTTCCCTTTCTCCACTCCAGCTGACTCTAA[A>T]GAGGATGCAGTTAACTGGCTCTCTGGCTTGAAAATCTTACACCAGGAAGCGATGAATGCG-3'
Protein context (NP_002652.2, residues 106-126): LSTLSLAADS[Lys116Asn]EDAVNWLSGL

ClinVar aggregate classification (germline): Uncertain significance (1 of 4 stars; one submission).

Conditions:
Familial cold autoinflammatory syndrome 3 (FCAS3). Also called: FAMILIAL ATYPICAL COLD URTICARIA; ANTIBODY DEFICIENCY AND IMMUNE DYSREGULATION, PLCG2-ASSOCIATED. Identifiers: Orphanet 300359, MedGen C3280914, MONDO:0013766, OMIM 614468.

Allele frequency attached by ClinVar (database versions not stated): ExAC 0.00002; gnomAD 0.00004; 1000 Genomes Project 30x 0.00031.
gnomAD v4.1: 31 of 1,612,244 alleles (0.0019%); highest among the groups gnomAD compares: South Asian, 0.03%; no homozygotes.

Submission:

Labcorp Genetics (formerly Invitae), Labcorp
Classification: Uncertain significance for Familial cold autoinflammatory syndrome 3. Last evaluated: 2023-08-17. Review status: criteria provided, single submitter. Criteria: Invitae Variant Classification Sherloc (09022015). Collection method: clinical testing. Allele origin: germline.
Comment: This variant has not been reported in the literature in individuals affected with PLCG2-related conditions. This variant is present in population databases (rs769715170, gnomAD 0.01%). This sequence change replaces lysine, which is basic and polar, with asparagine, which is neutral and polar, at codon 116 of the PLCG2 protein (p.Lys116Asn). In summary, the available evidence is currently insufficient to determine the role of this variant in disease. Therefore, it has been classified as a Variant of Uncertain Significance. An algorithm developed to predict the effect of missense changes on protein structure and function (PolyPhen-2) suggests that this variant is likely to be tolerated.